The following is an entry in ClinVar:

ClinVar aggregate classification (germline): Uncertain significance. Review status: criteria provided, multiple submitters, no conflicts (2 of 4 stars). 3 submissions from 3 submitters: Uncertain significance (3). Last evaluated 2023-10-30.

Conditions:
Familial thoracic aortic aneurysm and aortic dissection (TAAD). Also called: Thoracic aortic aneurysms and dissections. Identifiers: Orphanet 91387, MedGen C4707243, MONDO:0019625.
Shprintzen-Goldberg syndrome (SGS). Also called: Marfanoid disorder with craniosynostosis type 1; Marfanoid craniosynostosis syndrome; Shprintzen-Goldberg marfanoid syndrome; SHPRINTZEN-GOLDBERG CRANIOSYNOSTOSIS SYNDROME; CRANIOSYNOSTOSIS WITH ARACHNODACTYLY AND ABDOMINAL HERNIAS. Identifiers: Orphanet 2462, MedGen C1321551, MONDO:0008426, OMIM 182212.

Allele frequency attached by ClinVar (database versions not stated): ExAC 0.00001; gnomAD 0.00003; TOPMed 0.00004.
gnomAD v4.1: 4 of 1,612,000 alleles (0.00025%); highest among the groups gnomAD compares: African/African-American, 0.004%; no homozygotes.

Submissions (3):

Ambry Genetics
Classification: Uncertain significance for Familial thoracic aortic aneurysm and aortic dissection. Last evaluated: 2023-10-30. Review status: criteria provided, single submitter. Criteria: Ambry Variant Classification Scheme 2023. Collection method: clinical testing. Allele origin: germline.

GeneDx
Classification: Uncertain significance. Last evaluated: 2019-07-16. Review status: criteria provided, single submitter. Criteria: GeneDx Variant Classification Process June 2021. Collection method: clinical testing. Allele origin: germline. Affected: yes.
Comment: In silico analysis, which includes protein predictors and evolutionary conservation, supports a deleterious effect; Has not been previously published as pathogenic or benign to our knowledge

Labcorp Genetics (formerly Invitae), Labcorp
Classification: Uncertain significance for Shprintzen-Goldberg syndrome. Last evaluated: 2019-02-05. Review status: criteria provided, single submitter. Criteria: Invitae Variant Classification Sherloc (09022015). Collection method: clinical testing. Allele origin: germline.
Comment: In summary, the available evidence is currently insufficient to determine the role of this variant in disease. Therefore, it has been classified as a Variant of Uncertain Significance. Algorithms developed to predict the effect of missense changes on protein structure and function are either unavailable or do not agree on the potential impact of this missense change (SIFT: "Deleterious"; PolyPhen-2: "Possibly Damaging"; Align-GVGD: "Class C0"). This variant has not been reported in the literature in individuals with SKI-related conditions. This variant is present in population databases (rs756571135, ExAC 0.01%). This sequence change replaces glycine with aspartic acid at codon 293 of the SKI protein (p.Gly293Asp). The glycine residue is moderately conserved and there is a moderate physicochemical difference between glycine and aspartic acid.

NM_003036.4(SKI):c.878G>A (p.Gly293Asp)

Gene: SKI (SKI proto-oncogene; plus strand). Cytogenetic location: 1p36.33.
Variant type: single nucleotide variant.
Coding change: c.878G>A on transcript NM_003036.4 (MANE Select); coding-DNA position 878, G replaced by A.
Protein change: p.Gly293Asp; replaces glycine 293 with aspartic acid.
Molecular consequence: missense variant.
Genome position (GRCh38, 1-based): chr1:2,229,644, G>A. VCF-style: chr1-2229644-G-A. GRCh37 (hg19) VCF-style: chr1-2161083-G-A.
Other names: short protein forms G293D.
Identifiers: ClinVar variation 858270 (VCV000858270.12), dbSNP rs756571135, ClinGen allele CA536477.